The following is an entry in ClinVar:

NM_005045.4(RELN):c.4623A>G (p.Ile1541Met)

Gene: RELN (reelin; minus strand). Cytogenetic location: 7q22.1.
Variant type: single nucleotide variant.
Coding change: c.4623A>G on transcript NM_005045.4 (MANE Select); coding-DNA position 4623, A replaced by G.
Protein change: p.Ile1541Met; replaces isoleucine 1541 with methionine.
Molecular consequence: missense variant.
Genome position (GRCh38, 1-based): chr7:103,566,725, T>C on the plus strand (A>G on the coding strand, the complement: RELN is on the minus strand). VCF-style: chr7-103566725-T-C. GRCh37 (hg19) VCF-style: chr7-103207172-T-C.
Other names: c.4623A>G, p.Ile1541Met (NM_173054.3); short protein forms I1541M.
Identifiers: ClinVar variation 1050745 (VCV001050745.3), dbSNP rs1215450262, ClinGen allele CA368748603.

ClinVar aggregate classification (germline): Uncertain significance. Review status: criteria provided, single submitter (1 of 4 stars). 2 submissions from 2 submitters: Uncertain significance (1). 1 of the submissions does not count toward it. Last evaluated 2024-07-31.

Conditions:
Norman-Roberts syndrome (LIS2). Also called: Lissencephaly 2 (Norman-Roberts type). Identifiers: Orphanet 89844, MedGen C0796089, MONDO:0009760, OMIM 257320.
Familial temporal lobe epilepsy 7. Identifiers: Orphanet 101046, MedGen C4225327, MONDO:0014639, OMIM 616436.

Submissions (2):

Labcorp Genetics (formerly Invitae), Labcorp
Classification: Uncertain significance for Familial temporal lobe epilepsy 7; Norman-Roberts syndrome. Last evaluated: 2024-07-31. Review status: criteria provided, single submitter. Criteria: Invitae Variant Classification Sherloc (09022015). Collection method: clinical testing. Allele origin: germline.
Comment: This sequence change replaces isoleucine, which is neutral and non-polar, with methionine, which is neutral and non-polar, at codon 1541 of the RELN protein (p.Ile1541Met). This variant is present in population databases (no rsID available, gnomAD 0.0009%). This variant has not been reported in the literature in individuals affected with RELN-related conditions. ClinVar contains an entry for this variant (Variation ID: 1050745). Advanced modeling of protein sequence and biophysical properties (such as structural, functional, and spatial information, amino acid conservation, physicochemical variation, residue mobility, and thermodynamic stability) performed at Invitae indicates that this missense variant is not expected to disrupt RELN protein function with a negative predictive value of 80%. In summary, the available evidence is currently insufficient to determine the role of this variant in disease. Therefore, it has been classified as a Variant of Uncertain Significance.

Department of Pathology and Laboratory Medicine, Sinai Health System
Classification: Uncertain significance. Review status: no assertion criteria provided. Collection method: clinical testing. Allele origin: unknown. Affected: yes. Study: The Canadian Open Genetics Repository (COGR). Not counted in ClinVar's aggregate classification.
Comment: The RELN p.Ile1541Met variant was not identified in the literature nor was it identified in ClinVar, Cosmic or LOVD 3.0. The variant was identified in dbSNP (ID: rs1215450262) but was not identified in the following control databases: the 1000 Genomes Project, the NHLBI GO Exome Sequencing Project, the Exome Aggregation Consortium (August 8th 2016), or the Genome Aggregation Database (Feb 27, 2017). The p.Ile1541 residue is conserved in mammals but not in more distantly related organisms and computational analyses (PolyPhen-2, SIFT, AlignGVGD, BLOSUM, MutationTaster) provide inconsistent predictions regarding the impact to the protein; this information is not very predictive of pathogenicity. The variant occurs outside of the splicing consensus sequence and in silico or computational prediction software programs (SpliceSiteFinder, MaxEntScan, NNSPLICE, GeneSplicer) do not predict a difference in splicing. In summary, based on the above information the clinical significance of this variant cannot be determined with certainty at this time. This variant is classified as a variant of uncertain significance.